The following is an entry in ClinVar:

ClinVar aggregate classification (germline): Uncertain significance. Review status: criteria provided, multiple submitters, no conflicts (2 of 4 stars). 3 submissions from 3 submitters: Uncertain significance (3). Last evaluated 2024-11-26.

Conditions:
Congenital stationary night blindness 1E. Also called: Night blindness, congenital stationary (complete), 1E, autosomal recessive. Identifiers: Orphanet 215, MedGen C3281215, MONDO:0013807, OMIM 614565.

Allele frequency attached by ClinVar (database versions not stated): ExAC 0.00001; gnomAD exomes 0.00002 and 0.00003; TOPMed 0.00004; gnomAD 0.00005 and 0.00006.

Submissions (3):

Blueprint Genetics
Classification: Uncertain significance. Last evaluated: 2024-11-26. Review status: criteria provided, single submitter. Criteria: ACMG Guidelines, 2015. Collection method: clinical testing. Allele origin: germline.

Labcorp Genetics (formerly Invitae), Labcorp
Classification: Uncertain significance. Last evaluated: 2022-07-13. Review status: criteria provided, single submitter. Criteria: Invitae Variant Classification Sherloc (09022015). Collection method: clinical testing. Allele origin: germline.
Comment: This sequence change replaces threonine, which is neutral and polar, with methionine, which is neutral and non-polar, at codon 1269 of the GPR179 protein (p.Thr1269Met). This variant is present in population databases (rs754266923, gnomAD 0.01%). This variant has not been reported in the literature in individuals affected with GPR179-related conditions. ClinVar contains an entry for this variant (Variation ID: 322992). Algorithms developed to predict the effect of missense changes on protein structure and function output the following: SIFT: "Tolerated"; PolyPhen-2: "Benign"; Align-GVGD: "Class C0". The methionine amino acid residue is found in multiple mammalian species, which suggests that this missense change does not adversely affect protein function. In summary, the available evidence is currently insufficient to determine the role of this variant in disease. Therefore, it has been classified as a Variant of Uncertain Significance.

Illumina Laboratory Services, Illumina
Classification: Uncertain significance for Congenital stationary night blindness 1E. Last evaluated: 2018-01-13. Review status: criteria provided, single submitter. Criteria: ICSL Variant Classification Criteria 13 December 2019. Collection method: clinical testing. Allele origin: germline.

NM_001004334.4(GPR179):c.3806C>T (p.Thr1269Met)

Gene: GPR179 (G protein-coupled receptor 179; minus strand). Cytogenetic location: 17q12.
Variant type: single nucleotide variant.
Coding change: c.3806C>T on transcript NM_001004334.4 (MANE Select); coding-DNA position 3806, C replaced by T.
Protein change: p.Thr1269Met; replaces threonine 1269 with methionine.
Molecular consequence: missense variant.
Genome position (GRCh38, 1-based): chr17:38,329,763, G>A on the plus strand (C>T on the coding strand, the complement: GPR179 is on the minus strand). VCF-style: chr17-38329763-G-A. GRCh37 (hg19) VCF-style: chr17-36485646-G-A.
Other names: short protein forms T1269M.
Identifiers: ClinVar variation 322992 (VCV000322992.10), dbSNP rs754266923, ClinGen allele CA10645564.